The following is an entry in ClinVar:

ClinVar aggregate classification (germline): Uncertain significance (1 of 4 stars; one submission).

Conditions:
Deficiency of alpha-mannosidase (MANSA). Also called: Mannosidosis, alpha-, types I and II; Alpha-Mannosidosis; LYSOSOMAL ALPHA-D-MANNOSIDASE DEFICIENCY. Identifiers: Orphanet 61, MedGen C0024748, MONDO:0009561, OMIM 248500.

gnomAD v4.1: 3 of 1,608,736 alleles (0.00019%); highest among the groups gnomAD compares: Admixed American, 0.0017%; no homozygotes.

Submission:

Labcorp Genetics (formerly Invitae), Labcorp
Classification: Uncertain significance for Deficiency of alpha-mannosidase. Last evaluated: 2022-05-17. Review status: criteria provided, single submitter. Criteria: Invitae Variant Classification Sherloc (09022015). Collection method: clinical testing. Allele origin: germline.
Comment: This sequence change falls in intron 14 of the MAN2B1 gene. It does not directly change the encoded amino acid sequence of the MAN2B1 protein. It affects a nucleotide within the consensus splice site. This variant is present in population databases (rs376163192, gnomAD 0.003%). This variant has not been reported in the literature in individuals affected with MAN2B1-related conditions. Variants that disrupt the consensus splice site are a relatively common cause of aberrant splicing (PMID: 17576681, 9536098). Algorithms developed to predict the effect of sequence changes on RNA splicing suggest that this variant is not likely to affect RNA splicing. In summary, the available evidence is currently insufficient to determine the role of this variant in disease. Therefore, it has been classified as a Variant of Uncertain Significance.

Literature cited by the submitters: PubMed 17576681; PubMed 9536098.

NM_000528.4(MAN2B1):c.1830+3G>A

Gene: MAN2B1 (mannosidase alpha class 2B member 1; minus strand). Cytogenetic location: 19p13.13.
Variant type: single nucleotide variant.
Coding change: c.1830+3G>A on transcript NM_000528.4 (MANE Select); 3 bases into the intron after coding-DNA position 1830, G replaced by A.
Molecular consequence: intron variant.
Genome position (GRCh38, 1-based): chr19:12,655,691, C>T on the plus strand (G>A on the coding strand, the complement: MAN2B1 is on the minus strand). VCF-style: chr19-12655691-C-T. GRCh37 (hg19) VCF-style: chr19-12766505-C-T.
Other names: c.1827+3G>A (NM_001173498.2).
Identifiers: ClinVar variation 1968034 (VCV001968034.2), dbSNP rs376163192, ClinGen allele CA9226317.
Genomic context (GRCh38, chr19:12,655,691, plus strand): 5'-AGCTCACCATGACACTTCAAATTTGTCACAGGAGCAGGAAAGGGGATTGAAATGGGGTCT[C>T]ACCTCATTTTCGATGGTTAAAGCAGGGGACCAGGATCTTCTGGGGATGGGCTGTGGTGCG-3'